The following is an entry in ClinVar:

ClinVar aggregate classification (germline): Benign/Likely benign. Review status: criteria provided, multiple submitters, no conflicts (2 of 4 stars). 4 submissions from 4 submitters: Benign (1); Likely benign (2). 1 of the submissions does not count toward it. Last evaluated 2026-01-07.

Conditions:
CREBBP-related disorder. Also called: CREBBP-related condition; CREBBP-related disorders.
Rubinstein-Taybi syndrome (RSTS). Identifiers: Orphanet 783, MedGen C0035934, MONDO:0019188.

Allele frequency attached by ClinVar (database versions not stated): 1000 Genomes Project 0.00040; 1000 Genomes Project 30x 0.00062; ESP Exome Variant Server 0.00092; gnomAD 0.00092; TOPMed 0.00096.
gnomAD v4.1: 264 of 1,614,198 alleles (0.016%); highest among the groups gnomAD compares: African/African-American, 0.25%; 1 homozygote.

Submissions (4):

Labcorp Genetics (formerly Invitae), Labcorp
Classification: Benign for Rubinstein-Taybi syndrome. Last evaluated: 2026-01-07. Review status: criteria provided, single submitter. Criteria: Invitae Variant Classification Sherloc (09022015). Collection method: clinical testing. Allele origin: germline.

CeGaT Center for Human Genetics Tuebingen
Classification: Likely benign. Last evaluated: 2025-01-01. Review status: criteria provided, single submitter. Criteria: CeGaT Center For Human Genetics Tuebingen Variant Classification Criteria Version 2. Collection method: clinical testing. Allele origin: germline. Affected: yes. Observed: 2 variant alleles.
Comment: CREBBP: BP4, BS1

Blueprint Genetics
Classification: Likely benign. Last evaluated: 2024-10-31. Review status: criteria provided, single submitter. Criteria: ACMG Guidelines, 2015. Collection method: clinical testing. Allele origin: germline.

PreventionGenetics, part of Exact Sciences
Classification: Likely benign for CREBBP-related condition. Last evaluated: 2021-06-07. Review status: no assertion criteria provided. Collection method: clinical testing. Allele origin: germline. Not counted in ClinVar's aggregate classification.
Comment: This variant is classified as likely benign based on ACMG/AMP sequence variant interpretation guidelines (Richards et al. 2015 PMID: 25741868, with internal and published modifications).

NM_004380.3(CREBBP):c.4728+8C>T

Gene: CREBBP (CREB binding lysine acetyltransferase; minus strand). Cytogenetic location: 16p13.3.
Variant type: single nucleotide variant.
Coding change: c.4728+8C>T on transcript NM_004380.3 (MANE Select); 8 bases into the intron after coding-DNA position 4728, C replaced by T.
Molecular consequence: intron variant.
Genome position (GRCh38, 1-based): chr16:3,736,028, G>A on the plus strand (C>T on the coding strand, the complement: CREBBP is on the minus strand). VCF-style: chr16-3736028-G-A. GRCh37 (hg19) VCF-style: chr16-3786029-G-A.
Other names: c.4614+8C>T (NM_001079846.1); c.4728+8C>T (NM_004380.2).
Identifiers: ClinVar variation 1958559 (VCV001958559.31), dbSNP rs201679455, ClinGen allele CA7869462.